The following is an entry in ClinVar:

ClinVar aggregate classification (germline): Benign/Likely benign. Review status: criteria provided, multiple submitters, no conflicts (2 of 4 stars). 14 submissions from 11 submitters: Benign (13); Likely benign (1). Last evaluated 2026-01-27.

Conditions:
Cardiovascular phenotype. Identifiers: MedGen CN230736.
Osteogenesis imperfecta, perinatal lethal (OI2). Also called: OI, TYPE II; OSTEOGENESIS IMPERFECTA CONGENITA; VROLIK TYPE OF OSTEOGENESIS IMPERFECTA; Osteogenesis imperfecta type 2; Osteogenesis imperfecta, dominant perinatal lethal; OSTEOGENESIS IMPERFECTA, TYPE II. Identifiers: Orphanet 216804, MedGen C0268358, MONDO:0008147, OMIM 166210.
Osteogenesis imperfecta type III (OI3). Also called: Osteogenesis imperfecta type 3; OI type 3; Osteogenesis imperfecta, progressively deforming with normal sclerae; OI type III; Progressively Deforming Osteogenesis Imperfecta. Identifiers: Orphanet 216812, Orphanet 666, MedGen C0268362, MONDO:0009804, OMIM 259420.
Ehlers-Danlos syndrome, arthrochalasia type. Also called: Ehlers-Danlos syndrome, arthrochalasis type; Ehlers-Danlos syndrome, arthrochalasia type, 1; ARTHROCHALASIS MULTIPLEX CONGENITA; EDS VII, MUTANT PROCOLLAGEN TYPE; EDS VIIA. Identifiers: Orphanet 1899, Orphanet 99875, Orphanet 99876, MedGen C4551623, MONDO:0007525, OMIM 130060.
Osteoporosis. Identifiers: MedGen C0029456, MONDO:0005298, OMIM 166710, HP:0000939.
Combined osteogenesis imperfecta and Ehlers-Danlos syndrome 1. Also called: OIEDS SYNDROME 1. Identifiers: MedGen C5436842, MONDO:0030854, OMIM 619115.
Osteogenesis imperfecta with normal sclerae, dominant form (OI4). Also called: Common Variable Osteogenesis Imperfecta with Normal Sclerae; OSTEOGENESIS IMPERFECTA WITH NORMAL SCLERAE; Osteogenesis imperfecta type 4; Osteogenesis Imperfecta Type IV; OSTEOGENESIS IMPERFECTA, TYPE IV, WITH DENTINOGENESIS IMPERFECTA. Identifiers: Orphanet 216820, Orphanet 666, MedGen C0268363, MONDO:0008148, OMIM 166220.
Infantile cortical hyperostosis. Also called: Caffey Disease; P1PK BLOOD GROUP SYSTEM, P(2) PHENOTYPE; Hyperostosis, Cortical, Congenital. Identifiers: Orphanet 1310, MedGen C0020497, MONDO:0007244, OMIM 114000.
Osteogenesis imperfecta type I (OI1). Also called: Lobstein disease; Lobstein's Disease; Classic Non-deforming Osteogenesis Imperfecta with Blue Sclerae; OI, TYPE I; OSTEOGENESIS IMPERFECTA TARDA; OSTEOGENESIS IMPERFECTA WITH BLUE SCLERAE. Identifiers: Orphanet 216796, Orphanet 666, MedGen C0023931, MONDO:0008146, OMIM 166200. Disease mechanism: loss of function.
Ehlers-Danlos syndrome (EDS). Identifiers: Orphanet 98249, MedGen C0013720, MONDO:0020066.
Osteogenesis imperfecta (OI). Identifiers: Orphanet 666, MedGen C0029434, MeSH D010013, MONDO:0019019.

Allele frequency attached by ClinVar (database versions not stated): ESP Exome Variant Server 0.00692; gnomAD 0.00750; TOPMed 0.00804; 1000 Genomes Project 0.00879; 1000 Genomes Project 30x 0.00999.
gnomAD v4.1: 2,206 of 1,613,670 alleles (0.14%); highest among the groups gnomAD compares: African/African-American, 2.5%; 29 homozygotes.

Submissions (14):

Labcorp Genetics (formerly Invitae), Labcorp
Classification: Benign for Osteogenesis imperfecta type I. Last evaluated: 2026-01-27. Review status: criteria provided, single submitter. Criteria: Invitae Variant Classification Sherloc (09022015). Collection method: clinical testing. Allele origin: germline.

Molecular Diagnostic Laboratory for Inherited Cardiovascular Disease, Montreal Heart Institute
Classification: Benign. Last evaluated: 2025-04-09. Review status: criteria provided, single submitter. Criteria: ACMG Guidelines, 2015. Collection method: clinical testing. Allele origin: germline. Affected: no.

Athena Diagnostics
Classification: Benign. Last evaluated: 2024-02-27. Review status: criteria provided, single submitter. Criteria: Athena Diagnostics Criteria. Collection method: clinical testing. Allele origin: unknown.

ARUP Laboratories, Molecular Genetics and Genomics, ARUP Laboratories
Classification: Benign. Last evaluated: 2023-10-20. Review status: criteria provided, single submitter. Criteria: ARUP Molecular Germline Variant Investigation Process 2024. Collection method: clinical testing. Allele origin: germline.

Mayo Clinic Laboratories, Mayo Clinic
Classification: Benign. Last evaluated: 2023-08-24. Review status: criteria provided, single submitter. Criteria: ACMG Guidelines, 2015. Collection method: clinical testing. Allele origin: germline. Observed: 9 variant alleles.
Comment: BS1, BS2, BP4, BP7

Genome Diagnostics Laboratory, The Hospital for Sick Children
Classification: Benign for Osteogenesis imperfecta. Last evaluated: 2021-09-24. Review status: criteria provided, single submitter. Criteria: ACMG Guidelines, 2015. Collection method: clinical testing. Allele origin: germline.

Genome Diagnostics Laboratory, The Hospital for Sick Children
Classification: Benign for Ehlers-Danlos syndrome. Last evaluated: 2021-09-24. Review status: criteria provided, single submitter. Criteria: ACMG Guidelines, 2015. Collection method: clinical testing. Allele origin: germline.

Fulgent Genetics
Classification: Benign for Infantile cortical hyperostosis; Ehlers-Danlos syndrome, arthrochalasia type; Osteogenesis imperfecta type I; Osteogenesis imperfecta, perinatal lethal; Osteogenesis imperfecta with normal sclerae, dominant form; Osteoporosis; Osteogenesis imperfecta type III; Combined osteogenesis imperfecta and Ehlers-Danlos syndrome 1. Last evaluated: 2021-08-02. Review status: criteria provided, single submitter. Criteria: ACMG Guidelines, 2015. Collection method: clinical testing. Allele origin: unknown.

Ambry Genetics
Classification: Benign for Cardiovascular phenotype. Last evaluated: 2019-05-02. Review status: criteria provided, single submitter. Criteria: Ambry Variant Classification Scheme 2023. Collection method: clinical testing. Allele origin: germline.

Illumina Laboratory Services, Illumina
Classification: Benign for Osteogenesis imperfecta. Last evaluated: 2018-01-13. Review status: criteria provided, single submitter. Criteria: ICSL Variant Classification Criteria 13 December 2019. Collection method: clinical testing. Allele origin: germline.
Comment: This variant was observed in the ICSL laboratory as part of a predisposition screen in an ostensibly healthy population. It had not been previously curated by ICSL or reported in the Human Gene Mutation Database (HGMD: prior to June 1st, 2018), and was therefore a candidate for classification through an automated scoring system. Utilizing variant allele frequency, disease prevalence and penetrance estimates, and inheritance mode, an automated score was calculated to assess if this variant is too frequent to cause the disease. Based on the score and internal cut-off values, a variant classified as benign is not then subjected to further curation. The score for this variant resulted in a classification of benign for this disease.

Illumina Laboratory Services, Illumina
Classification: Likely benign for Infantile cortical hyperostosis. Last evaluated: 2018-01-13. Review status: criteria provided, single submitter. Criteria: ICSL Variant Classification Criteria 13 December 2019. Collection method: clinical testing. Allele origin: germline.
Comment: This variant was observed in the ICSL laboratory as part of a predisposition screen in an ostensibly healthy population. It had not been previously curated by ICSL or reported in the Human Gene Mutation Database (HGMD: prior to June 1st, 2018), and was therefore a candidate for classification through an automated scoring system. Utilizing variant allele frequency, disease prevalence and penetrance estimates, and inheritance mode, an automated score was calculated to assess if this variant is too frequent to cause the disease. Based on the score and internal cut-off values, a variant classified as likely benign is not then subjected to further curation. The score for this variant resulted in a classification of likely benign for this disease.

Illumina Laboratory Services, Illumina
Classification: Benign for Ehlers-Danlos syndrome, arthrochalasia type. Last evaluated: 2018-01-13. Review status: criteria provided, single submitter. Criteria: ICSL Variant Classification Criteria 13 December 2019. Collection method: clinical testing. Allele origin: germline.
Comment: the same text as in the submission from Illumina Laboratory Services, Illumina above.

GeneDx
Classification: Benign. Last evaluated: 2016-10-24. Review status: criteria provided, single submitter. Criteria: GeneDx Variant Classification (06012015). Collection method: clinical testing. Allele origin: germline. Affected: yes.
Comment: This variant is considered likely benign or benign based on one or more of the following criteria: it is a conservative change, it occurs at a poorly conserved position in the protein, it is predicted to be benign by multiple in silico algorithms, and/or has population frequency not consistent with disease.

Eurofins Ntd Llc (ga)
Classification: Benign. Last evaluated: 2016-02-11. Review status: criteria provided, single submitter. Criteria: EGL Classification Definitions 2015. Collection method: clinical testing. Allele origin: germline. Observed: 1 variant allele, 1 heterozygote.

Literature cited by the submitters: PubMed 18272325 (cited by Athena Diagnostics).

NM_000088.4(COL1A1):c.1821C>T (p.Val607=)

Gene: COL1A1 (collagen type I alpha 1 chain; minus strand). Cytogenetic location: 17q21.33.
Variant type: single nucleotide variant.
Coding change: c.1821C>T on transcript NM_000088.4 (MANE Select); coding-DNA position 1821, C replaced by T.
Protein change: p.Val607=; no amino-acid change (valine 607 retained).
Molecular consequence: synonymous variant.
Genome position (GRCh38, 1-based): chr17:50,192,994, G>A on the plus strand (C>T on the coding strand, the complement: COL1A1 is on the minus strand). VCF-style: chr17-50192994-G-A. GRCh37 (hg19) VCF-style: chr17-48270355-G-A.
Other names: p.Val607=.
Identifiers: ClinVar variation 286349 (VCV000286349.32), dbSNP rs41316667, ClinGen allele CA8645091.